The following is an entry in ClinVar:

NM_004928.3(CFAP410):c.137C>T (p.Thr46Met)

Gene: CFAP410 (cilia and flagella associated protein 410; minus strand). Cytogenetic location: 21q22.3.
Variant type: single nucleotide variant.
Coding change: c.137C>T on transcript NM_004928.3 (MANE Select); coding-DNA position 137, C replaced by T.
Protein change: p.Thr46Met; replaces threonine 46 with methionine.
Molecular consequence: missense variant.
Genome position (GRCh38, 1-based): chr21:44,335,764, G>A on the plus strand (C>T on the coding strand, the complement: CFAP410 is on the minus strand). VCF-style: chr21-44335764-G-A. GRCh37 (hg19) VCF-style: chr21-45755647-G-A.
Other names: c.137C>T, p.Thr46Met (NM_001271440.2, NM_001271441.2); c.23C>T, p.Thr8Met (NM_001271442.1); short protein forms T46M, T8M.
Identifiers: ClinVar variation 867177 (VCV000867177.8), dbSNP rs763821454, ClinGen allele CA10053831.
Genomic context (GRCh38, chr21:44,335,764, plus strand): 5'-GCTCTGCCCCGGCTTCCAGGCCCCAGGCTGAGCATGACAGCAGGAGCGAGGTACCTGAGC[G>A]TGATCACCTCCAGGCTGGGCATCTCCTGGCAAATGGAGATCTAGGAGGAAAAGAACATGA-3'
Protein context (NP_004919.1, residues 36-56): CQEMPSLEVI[Thr46Met]LSVNSISTLE

ClinVar aggregate classification (germline): Conflicting classifications of pathogenicity. Review status: criteria provided, conflicting classifications (1 of 4 stars). 2 submissions from 2 submitters: Likely pathogenic (1); Uncertain significance (1). Last evaluated 2024-10-15.

Conditions:
CFAP410-related disorder. Also called: CFAP410-related condition.

Allele frequency attached by ClinVar (database versions not stated): ExAC below 0.00001; gnomAD 0.00001 and 0.00002; TOPMed 0.00001; gnomAD exomes 0.00006.

Submissions (2):

Labcorp Genetics (formerly Invitae), Labcorp
Classification: Uncertain significance. Last evaluated: 2024-10-15. Review status: criteria provided, single submitter. Criteria: Invitae Variant Classification Sherloc (09022015). Collection method: clinical testing. Allele origin: germline.
Comment: This sequence change replaces threonine, which is neutral and polar, with methionine, which is neutral and non-polar, at codon 46 of the CFAP410 protein (p.Thr46Met). The frequency data for this variant in the population databases is considered unreliable, as metrics indicate poor data quality at this position in the gnomAD database. This missense change has been observed in individual(s) with retinitis pigmentosa (PMID: 30029497, 33090715). ClinVar contains an entry for this variant (Variation ID: 867177). Invitae Evidence Modeling of protein sequence and biophysical properties (such as structural, functional, and spatial information, amino acid conservation, physicochemical variation, residue mobility, and thermodynamic stability) indicates that this missense variant is expected to disrupt CFAP410 protein function with a positive predictive value of 80%. In summary, the available evidence is currently insufficient to determine the role of this variant in disease. Therefore, it has been classified as a Variant of Uncertain Significance.

Blueprint Genetics
Classification: Likely pathogenic for CFAP410-related disorders. Last evaluated: 2019-03-01. Review status: criteria provided, single submitter. Criteria: ACMG Guidelines, 2015. Collection method: clinical testing. Allele origin: germline. Affected: yes. Observed: 2 variant alleles.

Literature cited by the submitters: PubMed 30029497 (cited by Labcorp Genetics (formerly Invitae), Labcorp); PubMed 33090715 (cited by Labcorp Genetics (formerly Invitae), Labcorp).